The following is an entry in ClinVar:

ClinVar aggregate classification (germline): Uncertain significance (1 of 4 stars; one submission).

Allele frequency attached by ClinVar (database versions not stated): ExAC 0.00001; gnomAD exomes 0.00001; gnomAD 0.00003; TOPMed 0.00003; ESP Exome Variant Server 0.00008.
gnomAD v4.1: 12 of 1,613,750 alleles (0.00074%); highest among the groups gnomAD compares: African/African-American, 0.008%; no homozygotes.

Submission:

Labcorp Genetics (formerly Invitae), Labcorp
Classification: Uncertain significance. Last evaluated: 2022-10-27. Review status: criteria provided, single submitter. Criteria: Invitae Variant Classification Sherloc (09022015). Collection method: clinical testing. Allele origin: germline.
Comment: In summary, the available evidence is currently insufficient to determine the role of this variant in disease. Therefore, it has been classified as a Variant of Uncertain Significance. Algorithms developed to predict the effect of missense changes on protein structure and function output the following: SIFT: "Tolerated"; PolyPhen-2: "Probably Damaging"; Align-GVGD: "Class C0". The isoleucine amino acid residue is found in multiple mammalian species, which suggests that this missense change does not adversely affect protein function. This variant has not been reported in the literature in individuals affected with HMCN1-related conditions. This variant is present in population databases (rs376004147, gnomAD 0.007%). This sequence change replaces valine, which is neutral and non-polar, with isoleucine, which is neutral and non-polar, at codon 773 of the HMCN1 protein (p.Val773Ile).

NM_031935.3(HMCN1):c.2317G>A (p.Val773Ile)

Gene: HMCN1 (hemicentin 1; plus strand). Cytogenetic location: 1q31.1.
Variant type: single nucleotide variant.
Coding change: c.2317G>A on transcript NM_031935.3 (MANE Select); coding-DNA position 2317, G replaced by A.
Protein change: p.Val773Ile; replaces valine 773 with isoleucine.
Molecular consequence: missense variant.
Genome position (GRCh38, 1-based): chr1:185,970,439, G>A. VCF-style: chr1-185970439-G-A. GRCh37 (hg19) VCF-style: chr1-185939571-G-A.
Other names: short protein forms V773I.
Identifiers: ClinVar variation 2106340 (VCV002106340.4), dbSNP rs376004147, ClinGen allele CA1291356.